The following is an entry in ClinVar:

NM_001903.5(CTNNA1):c.1114A>G (p.Thr372Ala)

Gene: CTNNA1 (catenin alpha 1; plus strand). Cytogenetic location: 5q31.2.
Variant type: single nucleotide variant.
Coding change: c.1114A>G on transcript NM_001903.5 (MANE Select); coding-DNA position 1114, A replaced by G.
Protein change: p.Thr372Ala; replaces threonine 372 with alanine.
Molecular consequence: missense variant. On other transcripts: 5 prime UTR variant (5), intron variant (2).
Genome position (GRCh38, 1-based): chr5:138,886,263, A>G. VCF-style: chr5-138886263-A-G. GRCh37 (hg19) VCF-style: chr5-138221952-A-G.
Other names: c.1114A>G, p.Thr372Ala (NM_001290307.3, NM_001323982.2, NM_001323983.1 and 3 more transcripts); c.805A>G, p.Thr269Ala (NM_001290309.3); c.745A>G, p.Thr249Ala (NM_001290310.3); c.4A>G, p.Thr2Ala (NM_001290312.1, NM_001323987.1, NM_001323988.1 and 18 more transcripts); c.-394A>G (NM_001324006.1, NM_001324007.1, NM_001324008.1 and 1 more transcripts); c.-269A>G (NM_001324013.1); c.-58+10666A>G (NM_001324012.1); c.-61+10666A>G (NM_001324010.1); short protein forms T269A, T249A, T372A, T2A.
Identifiers: ClinVar variation 1795844 (VCV001795844.2), dbSNP rs1754000511, ClinGen allele CA361132585.
Genomic context (GRCh38, chr5:138,886,263, plus strand): 5'-TTTATCCAGGCTGGACGTAAAGAAAGAAGTGATGCACTCAATTCTGCAATAGATAAAATG[A>G]CCAAGAAGACCAGGGACTTGCGTAGACAGGTAATCTGGATGAAAGTGCTGATTGTTTTTC-3'
Protein context (NP_001894.2, residues 362-382): DALNSAIDKM[Thr372Ala]KKTRDLRRQL

ClinVar aggregate classification (germline): Uncertain significance (1 of 4 stars; one submission).

Conditions:
Hereditary cancer-predisposing syndrome. Also called: Tumor predisposition; Hereditary Cancer Syndrome; Neoplastic Syndromes, Hereditary; Hereditary neoplastic syndrome. Identifiers: Orphanet 140162, MedGen C0027672, MeSH D009386, MONDO:0015356.

Allele frequency attached by ClinVar (database versions not stated): gnomAD exomes below 0.00001.
gnomAD v4.1: 5 of 1,610,886 alleles (0.00031%); highest among the groups gnomAD compares: Non-Finnish European, 0.00042%; no homozygotes.

Submission:

Ambry Genetics
Classification: Uncertain significance for Hereditary cancer-predisposing syndrome. Last evaluated: 2022-03-08. Review status: criteria provided, single submitter. Criteria: Ambry Variant Classification Scheme 2023. Collection method: clinical testing. Allele origin: germline.
Comment: The p.T372A variant (also known as c.1114A>G), located in coding exon 7 of the CTNNA1 gene, results from an A to G substitution at nucleotide position 1114. The threonine at codon 372 is replaced by alanine, an amino acid with similar properties. This amino acid position is conserved. In addition, the in silico prediction for this alteration is inconclusive. Since supporting evidence is limited at this time, the clinical significance of this alteration remains unclear.